The following is an entry in ClinVar:

ClinVar aggregate classification (germline): Uncertain significance (1 of 4 stars; one submission).

Conditions:
Hereditary cancer-predisposing syndrome. Also called: Neoplastic Syndromes, Hereditary; Tumor predisposition; Hereditary neoplastic syndrome; Hereditary Cancer Syndrome. Identifiers: Orphanet 140162, MedGen C0027672, MeSH D009386, MONDO:0015356.

Submission:

Ambry Genetics
Classification: Uncertain significance for Hereditary cancer-predisposing syndrome. Last evaluated: 2015-03-09. Review status: criteria provided, single submitter. Criteria: Ambry Variant Classification Scheme 2023. Collection method: clinical testing. Allele origin: germline.
Comment: The c.593+18T>C intronic alteration consists of a T to C substitution 8 nucleotides after coding exon 7 in the BRCA1 gene. Based on insufficient or conflicting evidence, the clinical significance of this alteration remains unclear.

NM_007294.4(BRCA1):c.593+18T>C

Gene: BRCA1 (BRCA1 DNA repair associated; minus strand). Cytogenetic location: 17q21.31.
Variant type: single nucleotide variant.
Coding change: c.593+18T>C on transcript NM_007294.4 (MANE Select); 18 bases into the intron after coding-DNA position 593, T replaced by C.
Molecular consequence: intron variant.
Genome position (GRCh38, 1-based): chr17:43,097,226, A>G on the plus strand (T>C on the coding strand, the complement: BRCA1 is on the minus strand). VCF-style: chr17-43097226-A-G. GRCh37 (hg19) VCF-style: chr17-41249243-A-G.
Other names: c.452+18T>C (NM_001408458.1, NM_001408469.1, NM_001408453.1 and 43 more transcripts); c.-218-2366T>C (NM_001407967.1, NM_001407966.1); c.212+18T>C (NM_001407959.1, NM_001408510.1, NM_001407963.1 and 1 more transcripts); c.404-2366T>C (NM_001407931.1, NM_001407932.1, NM_001408503.1 and 5 more transcripts); c.449+18T>C (NM_001407747.1, NM_001408470.1, NM_001407848.1 and 26 more transcripts); c.209+18T>C (NM_001407962.1); c.167-2366T>C (NM_001408512.1, NM_001407965.1); c.383+18T>C (NM_001407885.1, NM_001407886.1, NM_001407881.1 and 27 more transcripts); and 17 more.
Identifiers: ClinVar variation 3076203 (VCV003076203.1), dbSNP rs2154520847, ClinGen allele CA2733924968.